The following is an entry in ClinVar:

NM_001350451.2(RBFOX3):c.961G>A (p.Ala321Thr)

Gene: RBFOX3 (RNA binding fox-1 homolog 3; minus strand). Cytogenetic location: 17q25.3.
Variant type: single nucleotide variant.
Coding change: c.961G>A on transcript NM_001350451.2 (MANE Select); coding-DNA position 961, G replaced by A.
Protein change: p.Ala321Thr; replaces alanine 321 with threonine.
Molecular consequence: missense variant.
Genome position (GRCh38, 1-based): chr17:79,095,550, C>T on the plus strand (G>A on the coding strand, the complement: RBFOX3 is on the minus strand). VCF-style: chr17-79095550-C-T. GRCh37 (hg19) VCF-style: chr17-77091632-C-T.
Other names: c.958G>A, p.Ala320Thr (NM_001385823.1, NM_001385806.1, NM_001385822.1); c.868G>A, p.Ala290Thr (NM_001385824.1); c.820G>A, p.Ala274Thr (NM_001385825.1, NM_001385826.1, NM_001385828.1 and 16 more transcripts); c.841G>A, p.Ala281Thr (NM_001385827.1); c.817G>A, p.Ala273Thr (NM_001385843.1, NM_001385844.1, NM_001385845.1 and 1 more transcripts); c.673G>A, p.Ala225Thr (NM_001385847.1); c.961G>A, p.Ala321Thr (NM_001385804.1, NM_001385805.1, NM_001385807.1 and 14 more transcripts); short protein forms A321T, A274T, A225T, A273T, A281T, A290T, A320T.
Identifiers: ClinVar variation 2712573 (VCV002712573.3), dbSNP rs1036122764, ClinGen allele CA294777770.

ClinVar aggregate classification (germline): Uncertain significance (1 of 4 stars; one submission).

Conditions:
Idiopathic generalized epilepsy. Also called: Generalised epilepsy; EIG. Identifiers: MedGen C0270850, MONDO:0005579, OMIM 600669.

Allele frequency attached by ClinVar (database versions not stated): gnomAD exomes 0.00001; TOPMed 0.00002.
gnomAD v4.1: 10 of 1,551,286 alleles (0.00064%); highest among the groups gnomAD compares: East Asian, 0.0024%; no homozygotes.

Submission:

Labcorp Genetics (formerly Invitae), Labcorp
Classification: Uncertain significance for Idiopathic generalized epilepsy. Last evaluated: 2023-05-09. Review status: criteria provided, single submitter. Criteria: Invitae Variant Classification Sherloc (09022015). Collection method: clinical testing. Allele origin: germline.
Comment: In summary, the available evidence is currently insufficient to determine the role of this variant in disease. Therefore, it has been classified as a Variant of Uncertain Significance. This sequence change replaces alanine, which is neutral and non-polar, with threonine, which is neutral and polar, at codon 274 of the RBFOX3 protein (p.Ala274Thr). This variant is present in population databases (no rsID available, gnomAD 0.01%). This variant has not been reported in the literature in individuals affected with RBFOX3-related conditions. Advanced modeling of protein sequence and biophysical properties (such as structural, functional, and spatial information, amino acid conservation, physicochemical variation, residue mobility, and thermodynamic stability) performed at Invitae indicates that this missense variant is not expected to disrupt RBFOX3 protein function.